The following is an entry in ClinVar:

NM_002458.3(MUC5B):c.9501C>G (p.Pro3167=)

Genes: MUC5B (mucin 5B, oligomeric mucus/gel-forming; plus strand), MUC5B-AS1 (MUC5B antisense RNA 1; minus strand). Cytogenetic location: 11p15.5.
Variant type: single nucleotide variant.
Coding change: c.9501C>G on transcript NM_002458.3 (MANE Select); coding-DNA position 9501, C replaced by G.
Protein change: p.Pro3167=; no amino-acid change (proline 3167 retained).
Molecular consequence: synonymous variant.
Genome position (GRCh38, 1-based): chr11:1,246,381, C>G. VCF-style: chr11-1246381-C-G. GRCh37 (hg19) VCF-style: chr11-1267611-C-G.
Identifiers: ClinVar variation 403152 (VCV000403152.7), dbSNP rs202123454, ClinGen allele CA5807019.

ClinVar aggregate classification (germline): Benign/Likely benign. Review status: criteria provided, multiple submitters, no conflicts (2 of 4 stars). 3 submissions from 3 submitters: Benign (2); Likely benign (1). Last evaluated 2026-05-01.

Allele frequency attached by ClinVar (database versions not stated): ESP Exome Variant Server 0.00810; 1000 Genomes Project 30x 0.01530; gnomAD 0.02290 and 0.02363.
gnomAD v4.1: 18,700 of 1,563,752 alleles (1.2%); highest among the groups gnomAD compares: Non-Finnish European, 1.1%; no homozygotes.

Submissions (3):

CeGaT Center for Human Genetics Tuebingen
Classification: Likely benign. Last evaluated: 2026-05-01. Review status: criteria provided, single submitter. Criteria: CeGaT Center For Human Genetics Tuebingen Variant Classification Criteria Version 2. Collection method: clinical testing. Allele origin: germline. Affected: yes. Observed: 2 variant alleles.
Comment: MUC5B: BP4, BP7, BS1

Laboratory for Molecular Medicine, Mass General Brigham Personalized Medicine
Classification: Benign. Last evaluated: 2016-03-28. Review status: criteria provided, single submitter. Criteria: LMM Criteria. Collection method: clinical testing. Allele origin: germline.
Comment: Variant identified in a genome or exome case(s) and assessed due to predicted null impact of the variant or pathogenic assertions in the literature or databases. Disclaimer: This variant has not undergone full assessment. The following are preliminary notes: Frequency

Breakthrough Genomics
Classification: Benign. Review status: criteria provided, single submitter. Criteria: ACMG Guidelines, 2015. Collection method: not provided. Allele origin: germline. Inheritance: Autosomal dominant inheritance. Affected: yes.